The following is an entry in ClinVar:

NM_001807.6(CEL):c.1780C>A (p.Pro594Thr)

Gene: CEL (carboxyl ester lipase; plus strand). Cytogenetic location: 9q34.13.
Variant type: single nucleotide variant.
Coding change: c.1780C>A on transcript NM_001807.6 (MANE Select); coding-DNA position 1780, C replaced by A.
Protein change: p.Pro594Thr; replaces proline 594 with threonine.
Molecular consequence: missense variant.
Genome position (GRCh38, 1-based): chr9:133,071,282, C>A. VCF-style: chr9-133071282-C-A. GRCh37 (hg19) VCF-style: chr9-135946669-C-A.
Other names: short protein forms P594T.
Identifiers: ClinVar variation 3771078 (VCV003771078.13).

ClinVar aggregate classification (germline): Benign (1 of 4 stars; one submission).

Submission:

CeGaT Center for Human Genetics Tuebingen
Classification: Benign. Last evaluated: 2025-12-01. Review status: criteria provided, single submitter. Criteria: CeGaT Center For Human Genetics Tuebingen Variant Classification Criteria Version 2. Collection method: clinical testing. Allele origin: germline. Affected: yes. Observed: 2 variant alleles.
Comment: CEL: BS1, BS2